The following is an entry in ClinVar:

ClinVar aggregate classification (germline): Likely pathogenic. Review status: criteria provided, single submitter (1 of 4 stars). 2 submissions from 2 submitters: Likely pathogenic (1). 1 of the submissions does not count toward it. Last evaluated 2023-12-19.

Conditions:
Cockayne syndrome type 1. Also called: Cockayne syndrome type I; Cockayne syndrome classical; Cockayne syndrome classic form. Identifiers: Orphanet 191, Orphanet 90321, MedGen C0751039, MONDO:0019569, OMIM 216400.

Submissions (2):

Labcorp Genetics (formerly Invitae), Labcorp
Classification: Likely pathogenic. Last evaluated: 2023-12-19. Review status: criteria provided, single submitter. Criteria: Invitae Variant Classification Sherloc (09022015). Collection method: clinical testing. Allele origin: germline.
Comment: This sequence change affects an acceptor splice site in intron 3 of the ERCC8 gene. It is expected to disrupt RNA splicing. Variants that disrupt the donor or acceptor splice site typically lead to a loss of protein function (PMID: 16199547), and loss-of-function variants in ERCC8 are known to be pathogenic (PMID: 29572252). This variant is not present in population databases (gnomAD no frequency). This variant has not been reported in the literature in individuals affected with ERCC8-related conditions. ClinVar contains an entry for this variant (Variation ID: 554190). Algorithms developed to predict the effect of sequence changes on RNA splicing suggest that this variant may disrupt the consensus splice site. In summary, the currently available evidence indicates that the variant is pathogenic, but additional data are needed to prove that conclusively. Therefore, this variant has been classified as Likely Pathogenic.

Counsyl
Classification: Likely pathogenic for Cockayne syndrome type 1. Last evaluated: 2017-10-03. Review status: no assertion criteria provided. Collection method: clinical testing. Allele origin: unknown. Not counted in ClinVar's aggregate classification.

Literature cited by the submitters: PubMed 16199547 (cited by Labcorp Genetics (formerly Invitae), Labcorp); PubMed 29572252 (cited by Labcorp Genetics (formerly Invitae), Labcorp).

NM_000082.4(ERCC8):c.276-2A>G

Genes: ERCC8 (ERCC excision repair 8, CSA ubiquitin ligase complex subunit; minus strand), ERCC8-AS1 (ERCC8 antisense RNA 1; plus strand). Cytogenetic location: 5q12.1.
Variant type: single nucleotide variant.
Coding change: c.276-2A>G on transcript NM_000082.4 (MANE Select); the canonical splice acceptor site of the intron before coding-DNA position 276, A replaced by G.
Molecular consequence: splice acceptor variant. On other transcripts: non-coding transcript variant (1).
Genome position (GRCh38, 1-based): chr5:60,918,390, T>C on the plus strand (A>G on the coding strand, the complement: ERCC8 is on the minus strand). VCF-style: chr5-60918390-T-C. GRCh37 (hg19) VCF-style: chr5-60214217-T-C.
Other names: c.-102-2A>G (NM_001290285.2); c.102-2A>G (NM_001007233.3); c.276-2A>G (NM_001007234.3).
Identifiers: ClinVar variation 554190 (VCV000554190.10), dbSNP rs1554074597, ClinGen allele CA359828099.